The following is an entry in ClinVar:

NM_004304.5(ALK):c.295C>A (p.Leu99Ile)

Gene: ALK (ALK receptor tyrosine kinase; minus strand). Cytogenetic location: 2p23.1.
Variant type: single nucleotide variant.
Coding change: c.295C>A on transcript NM_004304.5 (MANE Select); coding-DNA position 295, C replaced by A.
Protein change: p.Leu99Ile; replaces leucine 99 with isoleucine.
Molecular consequence: missense variant.
Genome position (GRCh38, 1-based): chr2:29,920,365, G>T on the plus strand (C>A on the coding strand, the complement: ALK is on the minus strand). VCF-style: chr2-29920365-G-T. GRCh37 (hg19) VCF-style: chr2-30143231-G-T.
Other names: short protein forms L99I.
Identifiers: ClinVar variation 3285874 (VCV003285874.1).

ClinVar aggregate classification (germline): Uncertain significance (1 of 4 stars; one submission).

Conditions:
Hereditary cancer-predisposing syndrome. Also called: Tumor predisposition; Hereditary Cancer Syndrome; Hereditary neoplastic syndrome; Neoplastic Syndromes, Hereditary. Identifiers: Orphanet 140162, MedGen C0027672, MeSH D009386, MONDO:0015356.

Submission:

Ambry Genetics
Classification: Uncertain significance for Hereditary cancer-predisposing syndrome. Last evaluated: 2024-04-11. Review status: criteria provided, single submitter. Criteria: Ambry Variant Classification Scheme 2023. Collection method: clinical testing. Allele origin: germline.
Comment: The p.L99I variant (also known as c.295C>A), located in coding exon 1 of the ALK gene, results from a C to A substitution at nucleotide position 295. The leucine at codon 99 is replaced by isoleucine, an amino acid with highly similar properties. This amino acid position is conserved. In addition, this alteration is predicted to be tolerated by in silico analysis. Based on the available evidence, the clinical significance of this variant remains unclear.